The following is an entry in ClinVar:

NM_000090.4(COL3A1):c.745-10T>C

Gene: COL3A1 (collagen type III alpha 1 chain; plus strand). Cytogenetic location: 2q32.2.
Variant type: single nucleotide variant.
Coding change: c.745-10T>C on transcript NM_000090.4 (MANE Select); 10 bases into the intron before coding-DNA position 745, T replaced by C.
Molecular consequence: intron variant.
Genome position (GRCh38, 1-based): chr2:188,990,297, T>C. VCF-style: chr2-188990297-T-C. GRCh37 (hg19) VCF-style: chr2-189855023-T-C.
Identifiers: ClinVar variation 1696077 (VCV001696077.1), dbSNP rs1048016555, ClinGen allele CA62590490.
Genomic context (GRCh38, chr2:188,990,297, plus strand): 5'-AAAGTGTTTTACTACTAGATTGTGATTCTATTTGAAGGTTCATTAATATTTTTTCATTCA[T>C]TATTTTTAGGGTATCAAAGGTCCAGCTGGGATACCTGGATTCCCTGGTATGAAAGGACAC-3'

ClinVar aggregate classification (germline): Uncertain significance (1 of 4 stars; one submission).

Allele frequency attached by ClinVar (database versions not stated): gnomAD exomes below 0.00001.
gnomAD v4.1: 1 of 1,611,782 alleles (0.000062%); highest among the groups gnomAD compares: Non-Finnish European, 0.000085%; no homozygotes.

Submission:

Women's Health and Genetics/Laboratory Corporation of America, LabCorp
Classification: Uncertain significance. Last evaluated: 2022-05-31. Review status: criteria provided, single submitter. Criteria: LabCorp Variant Classification Summary - May 2015. Collection method: clinical testing. Allele origin: germline.
Comment: Variant summary: COL3A1 c.745-10T>C alters a nucleotide located close to a canonical splice site and therefore could affect mRNA splicing, leading to a significantly altered protein sequence. 4/4 computational tools predict no significant impact on normal splicing. However, these predictions have yet to be confirmed by functional studies. The variant was absent in 249164 control chromosomes. The available data on variant occurrences in the general population are insufficient to allow any conclusion about variant significance. To our knowledge, no occurrence of c.745-10T>C in individuals affected with Ehlers-Danlos Syndrome, Vascular Type and no experimental evidence demonstrating its impact on protein function have been reported. No clinical diagnostic laboratories have submitted clinical-significance assessments for this variant to ClinVar after 2014. Based on the evidence outlined above, the variant was classified as uncertain significance.